The following is an entry in ClinVar:

ClinVar aggregate classification (germline): Conflicting classifications of pathogenicity. Review status: criteria provided, conflicting classifications (1 of 4 stars). 2 submissions from 2 submitters: Pathogenic (1); Uncertain significance (1). Last evaluated 2023-07-10.

Conditions:
CNGA3-related retinopathy. Identifiers: MedGen CN315672, MONDO:0800102.

Allele frequency attached by ClinVar (database versions not stated): gnomAD exomes below 0.00001.
gnomAD v4.1: 1 of 1,614,194 alleles (0.000062%); highest among the groups gnomAD compares: Non-Finnish European, 0.000085%; no homozygotes.

Submissions (2):

Labcorp Genetics (formerly Invitae), Labcorp
Classification: Pathogenic. Last evaluated: 2023-07-10. Review status: criteria provided, single submitter. Criteria: Invitae Variant Classification Sherloc (09022015). Collection method: clinical testing. Allele origin: germline.
Comment: ClinVar contains an entry for this variant (Variation ID: 1371485). This missense change has been observed in individual(s) with achromatopsia (PMID: 11536077; Invitae). In at least one individual the data is consistent with being in trans (on the opposite chromosome) from a pathogenic variant. This variant is not present in population databases (gnomAD no frequency). This sequence change replaces glutamic acid, which is acidic and polar, with lysine, which is basic and polar, at codon 194 of the CNGA3 protein (p.Glu194Lys). Advanced modeling of protein sequence and biophysical properties (such as structural, functional, and spatial information, amino acid conservation, physicochemical variation, residue mobility, and thermodynamic stability) has been performed at Invitae for this missense variant, however the output from this modeling did not meet the statistical confidence thresholds required to predict the impact of this variant on CNGA3 protein function. Experimental studies have shown that this missense change affects CNGA3 function (PMID: 17693388). For these reasons, this variant has been classified as Pathogenic.

Department of Pathology and Laboratory Medicine, Sinai Health System
Classification: Uncertain significance for CNGA3-related retinopathy. Last evaluated: 2023-04-14. Review status: criteria provided, single submitter. Criteria: ACMG Guidelines, 2015. Collection method: research. Allele origin: germline.

Literature cited by the submitters: PubMed 11536077 (cited by Labcorp Genetics (formerly Invitae), Labcorp); PubMed 17693388 (cited by Labcorp Genetics (formerly Invitae), Labcorp).

NM_001298.3(CNGA3):c.580G>A (p.Glu194Lys)

Gene: CNGA3 (cyclic nucleotide gated channel subunit alpha 3; plus strand). Cytogenetic location: 2q11.2.
Variant type: single nucleotide variant.
Coding change: c.580G>A on transcript NM_001298.3 (MANE Select); coding-DNA position 580, G replaced by A.
Protein change: p.Glu194Lys; replaces glutamic acid 194 with lysine.
Molecular consequence: missense variant.
Genome position (GRCh38, 1-based): chr2:98,391,877, G>A. VCF-style: chr2-98391877-G-A. GRCh37 (hg19) VCF-style: chr2-99008340-G-A.
Other names: c.526G>A, p.Glu176Lys (NM_001079878.2); short protein forms E176K, E194K.
Identifiers: ClinVar variation 1371485 (VCV001371485.7), dbSNP rs2104235566, ClinGen allele CA347831699.